The following is an entry in ClinVar:

ClinVar aggregate classification (germline): Conflicting classifications of pathogenicity. Review status: criteria provided, conflicting classifications (1 of 4 stars). 3 submissions from 3 submitters: Likely pathogenic (1); Uncertain significance (2). Last evaluated 2025-12-29.

Conditions:
Thrombocytopenia 1. Also called: X-linked thrombocytopenia with normal platelets; THROMBOCYTOPENIA, X-LINKED, 1; X-Linked Thrombocytopenia (XLT). Identifiers: Orphanet 268322, Orphanet 852, MedGen C1839163, MONDO:0010743, OMIM 313900.
Wiskott-Aldrich syndrome (WAS). Also called: ALDRICH SYNDROME; IMMUNODEFICIENCY 2; WISKOTT-ALDRICH SYNDROME 1; Wiskott-aldrich syndrome, somatic. Identifiers: Orphanet 906, MedGen C0043194, MONDO:0010518, OMIM 301000.
X-linked severe congenital neutropenia (SCNX). Identifiers: Orphanet 86788, MedGen C1845987, MONDO:0010294, OMIM 300299.

Allele frequency attached by ClinVar (database versions not stated): ExAC below 0.00001; gnomAD 0.00001; TOPMed 0.00001; gnomAD exomes 0.00003.
gnomAD v4.1: 34 of 1,158,536 alleles (0.0029%); highest among the groups gnomAD compares: South Asian, 0.004%; no homozygotes.

Submissions (3):

Center for Genomic Medicine, Rigshospitalet, Copenhagen University Hospital
Classification: Likely pathogenic. Last evaluated: 2025-12-29. Review status: criteria provided, single submitter. Criteria: ACMG Guidelines, 2015. Collection method: clinical testing. Allele origin: germline.

Labcorp Genetics (formerly Invitae), Labcorp
Classification: Uncertain significance for Wiskott-Aldrich syndrome; X-linked severe congenital neutropenia; Thrombocytopenia 1. Last evaluated: 2024-05-10. Review status: criteria provided, single submitter. Criteria: Invitae Variant Classification Sherloc (09022015). Collection method: clinical testing. Allele origin: germline.
Comment: This sequence change replaces proline, which is neutral and non-polar, with leucine, which is neutral and non-polar, at codon 400 of the WAS protein (p.Pro400Leu). This variant is not present in population databases (gnomAD no frequency). This variant has not been reported in the literature in individuals affected with WAS-related conditions. ClinVar contains an entry for this variant (Variation ID: 962220). Advanced modeling of protein sequence and biophysical properties (such as structural, functional, and spatial information, amino acid conservation, physicochemical variation, residue mobility, and thermodynamic stability) performed at Invitae indicates that this missense variant is not expected to disrupt WAS protein function with a negative predictive value of 80%. In summary, the available evidence is currently insufficient to determine the role of this variant in disease. Therefore, it has been classified as a Variant of Uncertain Significance.

Fulgent Genetics
Classification: Uncertain significance for X-linked severe congenital neutropenia; Wiskott-Aldrich syndrome; Thrombocytopenia 1. Last evaluated: 2024-01-09. Review status: criteria provided, single submitter. Criteria: ACMG Guidelines, 2015. Collection method: clinical testing. Allele origin: germline.

Literature cited by the submitters: PubMed 17390083 (cited by Center for Genomic Medicine, Rigshospitalet, Copenhagen University Hospital); PubMed 28748566 (cited by Center for Genomic Medicine, Rigshospitalet, Copenhagen University Hospital).

NM_000377.3(WAS):c.1199C>T (p.Pro400Leu)

Gene: WAS (WASP actin nucleation promoting factor; plus strand). Cytogenetic location: Xp11.23.
Variant type: single nucleotide variant.
Coding change: c.1199C>T on transcript NM_000377.3 (MANE Select); coding-DNA position 1199, C replaced by T.
Protein change: p.Pro400Leu; replaces proline 400 with leucine.
Molecular consequence: missense variant.
Genome position (GRCh38, 1-based): chrX:48,688,927, C>T. VCF-style: chrX-48688927-C-T. GRCh37 (hg19) VCF-style: chrX-48547316-C-T.
Other names: short protein forms P400L.
Identifiers: ClinVar variation 962220 (VCV000962220.9), dbSNP rs782596670, ClinGen allele CA10404048.